The following is an entry in ClinVar:

ClinVar aggregate classification (germline): Uncertain significance (0 of 4 stars; one submission).

Conditions:
Fanconi anemia complementation group A (FANCA). Also called: Fanconi anemia, group A; FANCA-Related Fanconi Anemia. Identifiers: Orphanet 84, MedGen C3469521, MONDO:0009215, OMIM 227650.

Submission:

Leiden Open Variation Database
Classification: Uncertain significance for Fanconi anemia complementation group A. Last evaluated: 2020-02-28. Review status: no assertion criteria provided. Collection method: curation. Allele origin: germline. Affected: yes.
Comment: Curator: Arleen D. Auerbach. Submitter to LOVD: Arleen D. Auerbach.

NC_000016.10:g.(89758706_89761948)_(89784965_89791402)del

Gene: FANCA (FA complementation group A; minus strand). Cytogenetic location: 16q24.3.
Variant type: Deletion.
Identifiers: ClinVar variation 974120 (VCV000974120.1).